The following is an entry in ClinVar:

ClinVar aggregate classification (germline): Uncertain significance. Review status: criteria provided, multiple submitters, no conflicts (2 of 4 stars). 3 submissions from 3 submitters: Uncertain significance (3). Last evaluated 2025-10-08.

Conditions:
Cystic fibrosis (CF). Also called: MUCOVISCIDOSIS. Identifiers: Orphanet 586, MedGen C0010674, MONDO:0009061, OMIM 219700. Disease mechanism: loss of function.

Allele frequency attached by ClinVar (database versions not stated): gnomAD exomes 0.00001.
gnomAD v4.1: 2 of 1,612,908 alleles (0.00012%); highest among the groups gnomAD compares: Non-Finnish European, 0.000085%; no homozygotes.

Submissions (3):

Women's Health and Genetics/Laboratory Corporation of America, LabCorp
Classification: Uncertain significance. Last evaluated: 2025-10-08. Review status: criteria provided, single submitter. Criteria: LabCorp Variant Classification Summary - May 2015. Collection method: clinical testing. Allele origin: germline.
Comment: Variant summary: CFTR c.1315C>A (p.Pro439Thr) results in a non-conservative amino acid change in the encoded protein sequence. Algorithms developed to predict the effect of missense changes on protein structure and function all suggest that this variant is likely to be disruptive. The variant allele was found at a frequency of 8.2e-06 in 242792 control chromosomes. The available data on variant occurrences in the general population are insufficient to allow any conclusion about variant significance. To our knowledge, no occurrence of c.1315C>A in individuals affected with CFTR-related conditions and no experimental evidence demonstrating its impact on protein function have been reported. ClinVar contains an entry for this variant (Variation ID: 818883). Based on the evidence outlined above, the variant was classified as uncertain significance.

Ambry Genetics
Classification: Uncertain significance for Cystic fibrosis. Last evaluated: 2025-03-20. Review status: criteria provided, single submitter. Criteria: Ambry Variant Classification Scheme 2023. Collection method: clinical testing. Allele origin: germline.
Comment: The p.P439T variant (also known as c.1315C>A), located in coding exon 10 of the CFTR gene, results from a C to A substitution at nucleotide position 1315. The proline at codon 439 is replaced by threonine, an amino acid with highly similar properties. This amino acid position is highly conserved in available vertebrate species. In addition, this alteration is predicted to be deleterious by in silico analysis. Based on the available evidence, the clinical significance of this variant remains unclear.

Labcorp Genetics (formerly Invitae), Labcorp
Classification: Uncertain significance for Cystic fibrosis. Last evaluated: 2022-06-16. Review status: criteria provided, single submitter. Criteria: Invitae Variant Classification Sherloc (09022015). Collection method: clinical testing. Allele origin: germline.
Comment: This sequence change replaces proline, which is neutral and non-polar, with threonine, which is neutral and polar, at codon 439 of the CFTR protein (p.Pro439Thr). The frequency data for this variant in the population databases is considered unreliable, as metrics indicate poor data quality at this position in the gnomAD database. This variant has not been reported in the literature in individuals affected with CFTR-related conditions. ClinVar contains an entry for this variant (Variation ID: 818883). Algorithms developed to predict the effect of missense changes on protein structure and function (SIFT, PolyPhen-2, Align-GVGD) all suggest that this variant is likely to be tolerated. This variant disrupts the p.Pro439 amino acid residue in CFTR. Other variant(s) that disrupt this residue have been determined to be pathogenic (PMID: 15858154, 17413420, 24697796). This suggests that this residue is clinically significant, and that variants that disrupt this residue are likely to be disease-causing. In summary, the available evidence is currently insufficient to determine the role of this variant in disease. Therefore, it has been classified as a Variant of Uncertain Significance.

Literature cited by the submitters: PubMed 15858154 (cited by Labcorp Genetics (formerly Invitae), Labcorp); PubMed 17413420 (cited by Labcorp Genetics (formerly Invitae), Labcorp); PubMed 24697796 (cited by Labcorp Genetics (formerly Invitae), Labcorp).

NM_000492.4(CFTR):c.1315C>A (p.Pro439Thr)

Genes: CFTR (CF transmembrane conductance regulator; plus strand), CFTR-AS1 (CFTR antisense RNA 1; minus strand). Cytogenetic location: 7q31.2.
Variant type: single nucleotide variant.
Coding change: c.1315C>A on transcript NM_000492.4 (MANE Select); coding-DNA position 1315, C replaced by A.
Protein change: p.Pro439Thr; replaces proline 439 with threonine.
Molecular consequence: missense variant.
Genome position (GRCh38, 1-based): chr7:117,548,746, C>A. VCF-style: chr7-117548746-C-A. GRCh37 (hg19) VCF-style: chr7-117188800-C-A.
Other names: short protein forms P439T.
Identifiers: ClinVar variation 818883 (VCV000818883.8), dbSNP rs397508187, ClinGen allele CA368981932.